The following is an entry in ClinVar:

ClinVar aggregate classification (germline): Likely pathogenic (1 of 4 stars; one submission).

Conditions:
Hyperekplexia 3 (HKPX3). Also called: HYPEREKPLEXIA 3, AUTOSOMAL RECESSIVE; HYPEREKPLEXIA 3, AUTOSOMAL DOMINANT. Identifiers: Orphanet 3197, MedGen C3553288, MONDO:0013827, OMIM 614618.

Submission:

Labcorp Genetics (formerly Invitae), Labcorp
Classification: Likely pathogenic for Hyperekplexia 3. Last evaluated: 2023-05-18. Review status: criteria provided, single submitter. Criteria: Invitae Variant Classification Sherloc (09022015). Collection method: clinical testing. Allele origin: germline.
Comment: In summary, the currently available evidence indicates that the variant is pathogenic, but additional data are needed to prove that conclusively. Therefore, this variant has been classified as Likely Pathogenic. Algorithms developed to predict the effect of sequence changes on RNA splicing suggest that this variant may disrupt the consensus splice site. This variant has not been reported in the literature in individuals affected with SLC6A5-related conditions. This variant is present in population databases (rs543949463, gnomAD 0.003%). This sequence change affects an acceptor splice site in intron 3 of the SLC6A5 gene. It is expected to disrupt RNA splicing. Variants that disrupt the donor or acceptor splice site typically lead to a loss of protein function (PMID: 16199547), and loss-of-function variants in SLC6A5 are known to be pathogenic (PMID: 14622583, 16751771, 22700964).

Literature cited by the submitters: PubMed 16199547; PubMed 14622583; PubMed 16751771; PubMed 22700964.

NM_004211.5(SLC6A5):c.680-2A>G

Gene: SLC6A5 (solute carrier family 6 member 5; plus strand). Cytogenetic location: 11p15.1.
Variant type: single nucleotide variant.
Coding change: c.680-2A>G on transcript NM_004211.5 (MANE Select); the canonical splice acceptor site of the intron before coding-DNA position 680, A replaced by G.
Molecular consequence: splice acceptor variant.
Genome position (GRCh38, 1-based): chr11:20,607,005, A>G. VCF-style: chr11-20607005-A-G. GRCh37 (hg19) VCF-style: chr11-20628551-A-G.
Other names: c.-23-2A>G (NM_001318369.2).
Identifiers: ClinVar variation 2865470 (VCV002865470.3), dbSNP rs543949463, ClinGen allele CA5921175.